The following is an entry in ClinVar:

ClinVar aggregate classification (germline): Uncertain significance. Review status: criteria provided, multiple submitters, no conflicts (2 of 4 stars). 5 submissions from 4 submitters: Uncertain significance (5). Last evaluated 2023-06-15.

Conditions:
Adams-Oliver syndrome 5 (AOS5). Identifiers: Orphanet 974, MedGen C4014970, MONDO:0014459, OMIM 616028.
Familial thoracic aortic aneurysm and aortic dissection (TAAD). Also called: Thoracic aortic aneurysms and dissections. Identifiers: Orphanet 91387, MedGen C4707243, MONDO:0019625.
Aortic valve disease 1 (AOVD1). Identifiers: MedGen C3887892, MONDO:0024523, OMIM 109730.

Allele frequency attached by ClinVar (database versions not stated): TOPMed 0.00002.
gnomAD v4.1: 8 of 1,610,194 alleles (0.0005%); highest among the groups gnomAD compares: Non-Finnish European, 0.00068%; no homozygotes.

Submissions (5):

Labcorp Genetics (formerly Invitae), Labcorp
Classification: Uncertain significance for Adams-Oliver syndrome 5. Last evaluated: 2023-06-15. Review status: criteria provided, single submitter. Criteria: Invitae Variant Classification Sherloc (09022015). Collection method: clinical testing. Allele origin: germline.
Comment: In summary, the available evidence is currently insufficient to determine the role of this variant in disease. Therefore, it has been classified as a Variant of Uncertain Significance. Advanced modeling of protein sequence and biophysical properties (such as structural, functional, and spatial information, amino acid conservation, physicochemical variation, residue mobility, and thermodynamic stability) performed at Invitae indicates that this missense variant is not expected to disrupt NOTCH1 protein function. ClinVar contains an entry for this variant (Variation ID: 1008841). This variant has not been reported in the literature in individuals affected with NOTCH1-related conditions. This variant is present in population databases (no rsID available, gnomAD 0.0009%). This sequence change replaces asparagine, which is neutral and polar, with lysine, which is basic and polar, at codon 2248 of the NOTCH1 protein (p.Asn2248Lys).

Ambry Genetics
Classification: Uncertain significance for Familial thoracic aortic aneurysm and aortic dissection. Last evaluated: 2022-09-19. Review status: criteria provided, single submitter. Criteria: Ambry Variant Classification Scheme 2023. Collection method: clinical testing. Allele origin: germline.
Comment: The p.N2248K variant (also known as c.6744C>G), located in coding exon 34 of the NOTCH1 gene, results from a C to G substitution at nucleotide position 6744. The asparagine at codon 2248 is replaced by lysine, an amino acid with similar properties. This amino acid position is conserved. In addition, this alteration is predicted to be tolerated by in silico analysis. Since supporting evidence is limited at this time, the clinical significance of this alteration remains unclear.

Genome-Nilou Lab
Classification: Uncertain significance for Adams-Oliver syndrome 5. Last evaluated: 2022-03-15. Review status: criteria provided, single submitter. Criteria: ACMG Guidelines, 2015. Collection method: clinical testing. Allele origin: germline. Affected: no.

Genome-Nilou Lab
Classification: Uncertain significance for Aortic valve disease 1. Last evaluated: 2022-03-15. Review status: criteria provided, single submitter. Criteria: ACMG Guidelines, 2015. Collection method: clinical testing. Allele origin: germline. Affected: no.

GeneDx
Classification: Uncertain significance. Last evaluated: 2019-07-11. Review status: criteria provided, single submitter. Criteria: GeneDx Variant Classification Process June 2021. Collection method: clinical testing. Allele origin: germline. Affected: yes.
Comment: Not observed at a significant frequency in large population cohorts (Lek et al., 2016); In silico analysis, which includes protein predictors and evolutionary conservation, supports that this variant does not alter protein structure/function; Has not been previously published as pathogenic or benign to our knowledge

NM_017617.5(NOTCH1):c.6744C>G (p.Asn2248Lys)

Gene: NOTCH1 (notch receptor 1; minus strand). Cytogenetic location: 9q34.3.
Variant type: single nucleotide variant.
Coding change: c.6744C>G on transcript NM_017617.5 (MANE Select); coding-DNA position 6744, C replaced by G.
Protein change: p.Asn2248Lys; replaces asparagine 2248 with lysine.
Molecular consequence: missense variant.
Genome position (GRCh38, 1-based): chr9:136,496,995, G>C on the plus strand (C>G on the coding strand, the complement: NOTCH1 is on the minus strand). VCF-style: chr9-136496995-G-C. GRCh37 (hg19) VCF-style: chr9-139391447-G-C.
Other names: short protein forms N2248K.
Identifiers: ClinVar variation 1008841 (VCV001008841.13), dbSNP rs372771288, ClinGen allele CA375630423.